The following is an entry in ClinVar:

ClinVar aggregate classification (germline): Likely pathogenic (1 of 4 stars; one submission).

Submission:

Labcorp Genetics (formerly Invitae), Labcorp
Classification: Likely pathogenic. Last evaluated: 2023-12-13. Review status: criteria provided, single submitter. Criteria: Invitae Variant Classification Sherloc (09022015). Collection method: clinical testing. Allele origin: unknown.
Comment: This variant results in a copy number gain of the genomic region encompassing exon(s) 25-28 of the FRAS1 gene. While the exact position of this variant cannot be determined from the data, sub-genic copy number gains are generally in tandem (PMID: 25640679). This variant is predicted to be out-of-frame, and may result in an absent or disrupted protein product. Loss-of-function variants in FRAS1 are known to be pathogenic (PMID: 12766769, 18671281). This variant has not been reported in the literature in individuals affected with FRAS1-related conditions. In summary, the currently available evidence indicates that the variant is pathogenic, but additional data are needed to prove that conclusively. Therefore, this variant has been classified as Likely Pathogenic.

Literature cited by the submitters: PubMed 25640679; PubMed 12766769; PubMed 18671281.

NC_000004.11:g.(?_79295245)_(79305317_?)dup

Gene: FRAS1 (Fraser extracellular matrix complex subunit 1; plus strand). Cytogenetic location: 4q21.21.
Variant type: Duplication.
Identifiers: ClinVar variation 3246765 (VCV003246765.1).